The following is an entry in ClinVar:

ClinVar aggregate classification (germline): Uncertain significance (1 of 4 stars; one submission).

Allele frequency attached by ClinVar (database versions not stated): gnomAD 0.00002.

Submission:

Labcorp Genetics (formerly Invitae), Labcorp
Classification: Uncertain significance. Last evaluated: 2022-11-07. Review status: criteria provided, single submitter. Criteria: Invitae Variant Classification Sherloc (09022015). Collection method: clinical testing. Allele origin: germline.
Comment: In summary, the available evidence is currently insufficient to determine the role of this variant in disease. Therefore, it has been classified as a Variant of Uncertain Significance. Algorithms developed to predict the effect of missense changes on protein structure and function (SIFT, PolyPhen-2, Align-GVGD) all suggest that this variant is likely to be tolerated. This variant has not been reported in the literature in individuals affected with NRL-related conditions. This variant is present in population databases (no rsID available, gnomAD 0.001%). This sequence change replaces methionine, which is neutral and non-polar, with leucine, which is neutral and non-polar, at codon 140 of the NRL protein (p.Met140Leu).

NM_001354768.3(NRL):c.418A>C (p.Met140Leu)

Gene: NRL (neural retina leucine zipper; minus strand). Cytogenetic location: 14q11.2.
Variant type: single nucleotide variant.
Coding change: c.418A>C on transcript NM_001354768.3 (MANE Select); coding-DNA position 418, A replaced by C.
Protein change: p.Met140Leu; replaces methionine 140 with leucine.
Molecular consequence: missense variant.
Genome position (GRCh38, 1-based): chr14:24,081,532, T>G on the plus strand (A>C on the coding strand, the complement: NRL is on the minus strand). VCF-style: chr14-24081532-T-G. GRCh37 (hg19) VCF-style: chr14-24550741-T-G.
Other names: c.418A>C, p.Met140Leu (NM_001354769.1, NM_006177.5); c.103A>C, p.Met35Leu (NM_001354770.2); short protein forms M35L, M140L.
Identifiers: ClinVar variation 1906500 (VCV001906500.5), dbSNP rs1187722564, ClinGen allele CA389278881.
Genomic context (GRCh38, chr14:24,081,532, plus strand): 5'-GCCGCAGCGCCTCGTCGCGCCCGCAGCCCCGCAGCTGCCGGTTTAGCTCCCGCACAGACA[T>G]CGAGACCAGCGCCGCGTCGGAAAACCGCTCTGCCAGCTGCGGAGGGAGAATGCAGAAACC-3'
Protein context (NP_001341697.1, residues 130-150): ERFSDAALVS[Met140Leu]SVRELNRQLR